The following is an entry in ClinVar:

NM_000377.3(WAS):c.1482AGATGA[1] (p.494ED[1])

Gene: WAS (WASP actin nucleation promoting factor; plus strand). Cytogenetic location: Xp11.23.
Variant type: Microsatellite.
Coding change: c.1482AGATGA[1] on transcript NM_000377.3 (MANE Select); one copy of the 6-base unit AGATGA starting at c.1482; the reference has two copies in a row; one copy, 6 bases deleted.
Protein change: p.494ED[1].
Molecular consequence: inframe deletion.
Genome position (GRCh38, 1-based): chrX:48,691,141-48,691,146, AGATGA deleted; deleting any 6 consecutive bases within chrX:48,691,130-48,691,146 gives the same sequence; the position shown is the placement nearest the transcript's 3' end. VCF-style (leftmost placement, unchanged base first): chrX-48691129-CGATGAA-C. GRCh37 (hg19) VCF-style: chrX-48549520-CGATGAA-C.
Identifiers: ClinVar variation 998734 (VCV000998734.8), dbSNP rs1569494232, ClinGen allele CA2428356489.
Genomic context (GRCh38, chrX:48,691,129, plus strand): 5'-AACCTCCCAGGGCATCTTATCTTTCTCTTTCCCTCCAGACGAAGGGGAGGACCAGGCTGG[CGATGAA>C]GATGAAGATGATGAATGGGATGACTGAGTGGCTGAGTTACTTGCTGCCCTGTGCTCCTCC-3'

ClinVar aggregate classification (germline): Uncertain significance (1 of 4 stars; one submission).

Conditions:
Wiskott-Aldrich syndrome (WAS). Also called: IMMUNODEFICIENCY 2; ALDRICH SYNDROME; WISKOTT-ALDRICH SYNDROME 1; Wiskott-aldrich syndrome, somatic. Identifiers: Orphanet 906, MedGen C0043194, MONDO:0010518, OMIM 301000.
X-linked severe congenital neutropenia (SCNX). Identifiers: Orphanet 86788, MedGen C1845987, MONDO:0010294, OMIM 300299.
Thrombocytopenia 1. Also called: X-linked thrombocytopenia with normal platelets; X-Linked Thrombocytopenia (XLT); THROMBOCYTOPENIA, X-LINKED, 1. Identifiers: Orphanet 268322, Orphanet 852, MedGen C1839163, MONDO:0010743, OMIM 313900.

Submission:

Labcorp Genetics (formerly Invitae), Labcorp
Classification: Uncertain significance for Wiskott-Aldrich syndrome; X-linked severe congenital neutropenia; Thrombocytopenia 1. Last evaluated: 2020-07-19. Review status: criteria provided, single submitter. Criteria: Invitae Variant Classification Sherloc (09022015). Collection method: clinical testing. Allele origin: germline.
Comment: In summary, the available evidence is currently insufficient to determine the role of this variant in disease. Therefore, it has been classified as a Variant of Uncertain Significance. Experimental studies and prediction algorithms are not available or were not evaluated, and the functional significance of this variant is currently unknown. This variant has not been reported in the literature in individuals with WAS-related conditions. This variant is not present in population databases (ExAC no frequency). This variant, c.1488_1493del, results in the deletion of 2 amino acid(s) of the WAS protein (p.Glu496_Asp497del), but otherwise preserves the integrity of the reading frame.